The following is an entry in ClinVar:

ClinVar aggregate classification (germline): Conflicting classifications of pathogenicity. Review status: criteria provided, conflicting classifications (1 of 4 stars). 6 submissions from 6 submitters: Uncertain significance (2); Likely benign (4). Last evaluated 2026-01-18.

Conditions:
LYST-related disorder. Also called: LYST-related condition.
Chédiak-Higashi syndrome (CHS). Also called: Chediak-Higashi Syndrome. Identifiers: Orphanet 167, MedGen C0007965, MONDO:0008963, OMIM 214500.

Allele frequency attached by ClinVar (database versions not stated): TOPMed 0.00011; gnomAD 0.00019 and 0.00024; gnomAD exomes 0.00020 and 0.00027; ExAC 0.00024; 1000 Genomes Project 0.00060; 1000 Genomes Project 30x 0.00062.
gnomAD v4.1: 332 of 1,613,498 alleles (0.021%); highest among the groups gnomAD compares: South Asian, 0.14%; 3 homozygotes.

Submissions (8):

Labcorp Genetics (formerly Invitae), Labcorp
Classification: Likely benign for Chédiak-Higashi syndrome. Last evaluated: 2026-01-18. Review status: criteria provided, single submitter. Criteria: Invitae Variant Classification Sherloc (09022015). Collection method: clinical testing. Allele origin: germline.

CeGaT Center for Human Genetics Tuebingen
Classification: Likely benign. Last evaluated: 2025-07-01. Review status: criteria provided, single submitter. Criteria: CeGaT Center For Human Genetics Tuebingen Variant Classification Criteria Version 2. Collection method: clinical testing. Allele origin: germline. Affected: yes. Observed: 1 variant allele.
Comment: LYST: BP4

PreventionGenetics, part of Exact Sciences
Classification: Likely benign for LYST-related condition. Last evaluated: 2025-05-15. Review status: criteria provided, single submitter. Criteria: ACMG Guidelines, 2015. Collection method: clinical testing. Allele origin: germline.
Comment: This variant is classified as likely benign based on ACMG/AMP sequence variant interpretation guidelines (Richards et al. 2015 PMID: 25741868, with internal and published modifications).

Laboratory of Genetics, Children's Clinical University Hospital Latvia
Classification: Likely benign. Last evaluated: 2025-02-16. Review status: criteria provided, single submitter. Criteria: ACMG Guidelines, 2015. Collection method: clinical testing. Allele origin: germline. Affected: yes.

Eurofins Ntd Llc (ga)
Classification: Uncertain significance. Last evaluated: 2017-05-02. Review status: criteria provided, single submitter. Criteria: EGL Classification Definitions 2015. Collection method: clinical testing. Allele origin: germline. Observed: 1 variant allele, 1 heterozygote.

Breakthrough Genomics
Classification: Uncertain significance. Review status: criteria provided, single submitter. Criteria: ACMG Guidelines, 2015. Collection method: not provided. Allele origin: germline. Inheritance: Autosomal recessive inheritance. Affected: yes.

Dr. Peter K. Rogan Lab, Western University
No classification provided (evidence only). Condition: Clear cell carcinoma of kidney. Review status: no classification provided. Collection method: in vitro. Allele origin: not applicable. Functional consequence: retained intron. Not counted in ClinVar's aggregate classification.

Dr. Peter K. Rogan Lab, Western University
No classification provided (evidence only). Condition: Melanoma. Review status: no classification provided. Collection method: in vitro. Allele origin: not applicable. Functional consequence: retained intron. Not counted in ClinVar's aggregate classification.

NM_000081.4(LYST):c.9552G>T (p.Leu3184Phe)

Gene: LYST (lysosomal trafficking regulator; minus strand). Cytogenetic location: 1q42.3.
Variant type: single nucleotide variant.
Coding change: c.9552G>T on transcript NM_000081.4 (MANE Select); coding-DNA position 9552, G replaced by T.
Protein change: p.Leu3184Phe; replaces leucine 3184 with phenylalanine.
Molecular consequence: missense variant.
Genome position (GRCh38, 1-based): chr1:235,720,669, C>A on the plus strand (G>T on the coding strand, the complement: LYST is on the minus strand). VCF-style: chr1-235720669-C-A. GRCh37 (hg19) VCF-style: chr1-235883969-C-A.
Other names: c.9552G>T, p.Leu3184Phe (NM_001301365.1); short protein forms L3184F.
Identifiers: ClinVar variation 501667 (VCV000501667.24), dbSNP rs556200563, ClinGen allele CA1465575.